The following is an entry in ClinVar:

ClinVar aggregate classification (germline): Uncertain significance (1 of 4 stars; one submission).

Conditions:
GLUT1 deficiency syndrome 1, autosomal recessive. Identifiers: MedGen C3149117.

Submission:

Labcorp Genetics (formerly Invitae), Labcorp
Classification: Uncertain significance for GLUT1 deficiency syndrome 1, autosomal recessive. Last evaluated: 2022-02-04. Review status: criteria provided, single submitter. Criteria: Invitae Variant Classification Sherloc (09022015). Collection method: clinical testing. Allele origin: germline.
Comment: This sequence change replaces glycine, which is neutral and non-polar, with valine, which is neutral and non-polar, at codon 79 of the SLC2A1 protein (p.Gly79Val). This variant is not present in population databases (gnomAD no frequency). This variant has not been reported in the literature in individuals affected with SLC2A1-related conditions. ClinVar contains an entry for this variant (Variation ID: 935961). Advanced modeling of protein sequence and biophysical properties (such as structural, functional, and spatial information, amino acid conservation, physicochemical variation, residue mobility, and thermodynamic stability) performed at Invitae indicates that this missense variant is expected to disrupt SLC2A1 protein function. In summary, the available evidence is currently insufficient to determine the role of this variant in disease. Therefore, it has been classified as a Variant of Uncertain Significance.

NM_006516.4(SLC2A1):c.236G>T (p.Gly79Val)

Gene: SLC2A1 (solute carrier family 2 member 1; minus strand). Cytogenetic location: 1p34.2.
Variant type: single nucleotide variant.
Coding change: c.236G>T on transcript NM_006516.4 (MANE Select); coding-DNA position 236, G replaced by T.
Protein change: p.Gly79Val; replaces glycine 79 with valine.
Molecular consequence: missense variant.
Genome position (GRCh38, 1-based): chr1:42,931,085, C>A on the plus strand (G>T on the coding strand, the complement: SLC2A1 is on the minus strand). VCF-style: chr1-42931085-C-A. GRCh37 (hg19) VCF-style: chr1-43396756-C-A.
Other names: short protein forms G79V.
Identifiers: ClinVar variation 935961 (VCV000935961.10), dbSNP rs1643484465, ClinGen allele CA339961785.
Genomic context (GRCh38, chr1:42,931,085, plus strand): 5'-GCCAGGACCTCTCCTACTTACCGGCCAAAGCGGTTAACGAAAAGGCCCACAGAGAAGGAG[C>A]CAATCATGCCCCCAACAGAAAAGATGGCCACTGAGAGGGACCAGAGCGTGGTGAGCGTGG-3'
Protein context (NP_006507.2, residues 69-89): VAIFSVGGMI[Gly79Val]SFSVGLFVNR